The following is an entry in ClinVar:

NM_001039591.3(USP9X):c.4194T>A (p.Val1398=)

Gene: USP9X (ubiquitin specific peptidase 9 X-linked; plus strand). Cytogenetic location: Xp11.4.
Variant type: single nucleotide variant.
Coding change: c.4194T>A on transcript NM_001039591.3 (MANE Select); coding-DNA position 4194, T replaced by A.
Protein change: p.Val1398=; no amino-acid change (valine 1398 retained).
Molecular consequence: synonymous variant.
Genome position (GRCh38, 1-based): chrX:41,196,699, T>A. VCF-style: chrX-41196699-T-A. GRCh37 (hg19) VCF-style: chrX-41055952-T-A.
Other names: c.4194T>A, p.Val1398= (NM_001039590.3); c.4209T>A, p.Val1403= (NM_001410748.1, NM_001410749.1).
Identifiers: ClinVar variation 3057566 (VCV003057566.2), dbSNP rs2519307670, ClinGen allele CA515972966.

ClinVar aggregate classification (germline): Likely benign (0 of 4 stars; one submission).

Conditions:
USP9X-related disorder. Also called: USP9X-related condition.

Submission:

PreventionGenetics, part of Exact Sciences
Classification: Likely benign for USP9X-related condition. Last evaluated: 2021-07-22. Review status: no assertion criteria provided. Collection method: clinical testing. Allele origin: germline.
Comment: This variant is classified as likely benign based on ACMG/AMP sequence variant interpretation guidelines (Richards et al. 2015 PMID: 25741868, with internal and published modifications).